The following is an entry in ClinVar:

NM_007078.3(LDB3):c.1884A>G (p.Thr628=)

Gene: LDB3 (LIM domain binding 3; plus strand). Cytogenetic location: 10q23.2.
Variant type: single nucleotide variant.
Coding change: c.1884A>G on transcript NM_007078.3 (MANE Select); coding-DNA position 1884, A replaced by G.
Protein change: p.Thr628=; no amino-acid change (threonine 628 retained).
Molecular consequence: synonymous variant.
Genome position (GRCh38, 1-based): chr10:86,718,753, A>G. VCF-style: chr10-86718753-A-G. GRCh37 (hg19) VCF-style: chr10-88478510-A-G.
Other names: c.1554A>G, p.Thr518= (NM_001080114.2); c.1899A>G, p.Thr633= (NM_001171610.2); c.1695A>G, p.Thr565= (NM_001368064.1, NM_001368065.1); c.1743A>G, p.Thr581= (NM_001368066.1).
Identifiers: ClinVar variation 1781941 (VCV001781941.3), dbSNP rs1431153587, ClinGen allele CA470309111.

ClinVar aggregate classification (germline): Conflicting classifications of pathogenicity. Review status: criteria provided, conflicting classifications (1 of 4 stars). 2 submissions from 2 submitters: Uncertain significance (1); Likely benign (1). Last evaluated 2025-11-27.

Conditions:
Cardiovascular phenotype. Identifiers: MedGen CN230736.
Myofibrillar myopathy 4. Also called: Zaspopathy (type). Identifiers: Orphanet 98912, MedGen C4721886, MONDO:0012277, OMIM 609452.

Allele frequency attached by ClinVar (database versions not stated): gnomAD exomes below 0.00001; gnomAD 0.00001.
gnomAD v4.1: 2 of 1,614,042 alleles (0.00012%); highest among the groups gnomAD compares: African/African-American, 0.0027%; no homozygotes.

Submissions (2):

Labcorp Genetics (formerly Invitae), Labcorp
Classification: Uncertain significance for Myofibrillar myopathy 4. Last evaluated: 2025-11-27. Review status: criteria provided, single submitter. Criteria: Invitae Variant Classification Sherloc (09022015). Collection method: clinical testing. Allele origin: germline.
Comment: The LDB3 gene has multiple clinically relevant transcripts. This variant occurs in alternate transcript NM_007078.3, and corresponds to NM_001080116.1:c.*19379A>G in the primary transcript. This sequence change affects codon 628 of the LDB3 mRNA. It is a 'silent' change, meaning that it does not change the encoded amino acid sequence of the LDB3 protein. This variant is not present in population databases (gnomAD no frequency). This variant has not been reported in the literature in individuals affected with LDB3-related conditions. Experimental studies and prediction algorithms are not available or were not evaluated, and the effect of this variant on mRNA splicing is currently unknown. In summary, the available evidence is currently insufficient to determine the role of this variant in disease. Therefore, it has been classified as a Variant of Uncertain Significance.

Ambry Genetics
Classification: Likely benign for Cardiovascular phenotype. Last evaluated: 2021-04-26. Review status: criteria provided, single submitter. Criteria: Ambry Variant Classification Scheme 2023. Collection method: clinical testing. Allele origin: germline.